The following is an entry in ClinVar:

ClinVar aggregate classification (germline): Uncertain significance. Review status: criteria provided, multiple submitters, no conflicts (2 of 4 stars). 2 submissions from 2 submitters: Uncertain significance (2). Last evaluated 2021-05-27.

Allele frequency attached by ClinVar (database versions not stated): gnomAD exomes below 0.00001 and 0.00001; gnomAD 0.00001; TOPMed 0.00001.

Submissions (2):

GeneDx
Classification: Uncertain significance. Last evaluated: 2021-05-27. Review status: criteria provided, single submitter. Criteria: GeneDx Variant Classification Process June 2021. Collection method: clinical testing. Allele origin: germline. Affected: yes.
Comment: Not observed at significant frequency in large population cohorts (Lek et al., 2016); In silico analysis supports that this missense variant does not alter protein structure/function; Has not been previously published as pathogenic or benign to our knowledge; This variant is associated with the following publications: (PMID: 27535533)

New York Genome Center
Classification: Uncertain significance. Last evaluated: 2020-06-26. Review status: criteria provided, single submitter. Criteria: NYGC Assertion Criteria 2020. Collection method: clinical testing. Allele origin: inherited. Observed: 1 heterozygote. Study: CSER-NYCKidSeq.
Comment: The inherited c.4081A>G (p.Lys1361Glu) variant in exon 30 of 35 of MYO3A has not been reported in affected individuals in the available literature. This variant is present in gnomAD at a low frequency (1/251458, allele frequency=0.000003977, no homozygotes), suggesting it is not a common benign variant in the populations represented in this database. In silico predictors suggest this variant is Neutral (Provean; score: -0.68) and Tolerated (SIFT; score: 0.234). Given the current evidences regarding its pathogenicity, the c.4081A>G (p.Lys1361Glu) inherited variant identified in the MYO3A gene is assessed as a Variant of Uncertain Significance.

NM_017433.5(MYO3A):c.4081A>G (p.Lys1361Glu)

Gene: MYO3A (myosin IIIA; plus strand). Cytogenetic location: 10p12.1.
Variant type: single nucleotide variant.
Coding change: c.4081A>G on transcript NM_017433.5 (MANE Select); coding-DNA position 4081, A replaced by G.
Protein change: p.Lys1361Glu; replaces lysine 1361 with glutamic acid.
Molecular consequence: missense variant.
Genome position (GRCh38, 1-based): chr10:26,174,345, A>G. VCF-style: chr10-26174345-A-G. GRCh37 (hg19) VCF-style: chr10-26463274-A-G.
Other names: c.4081A>G (NM_017433.4); short protein forms K1361E.
Identifiers: ClinVar variation 1325532 (VCV001325532.3), dbSNP rs1380105932, ClinGen allele CA376340675.